The following is an entry in ClinVar:

NM_001276270.2(MBD4):c.1344T>A (p.His448Gln)

Gene: MBD4 (methyl-CpG binding domain 4, DNA glycosylase; minus strand). Cytogenetic location: 3q21.3.
Variant type: single nucleotide variant.
Coding change: c.1344T>A on transcript NM_001276270.2 (MANE Select); coding-DNA position 1344, T replaced by A.
Protein change: p.His448Gln; replaces histidine 448 with glutamine.
Molecular consequence: missense variant.
Genome position (GRCh38, 1-based): chr3:129,433,899, A>T on the plus strand (T>A on the coding strand, the complement: MBD4 is on the minus strand). VCF-style: chr3-129433899-A-T. GRCh37 (hg19) VCF-style: chr3-129152742-A-T.
Other names: c.1362T>A, p.His454Gln (NM_001276271.2, NM_001276272.2, NM_003925.3); c.408T>A, p.His136Gln (NM_001276273.2); short protein forms H448Q, H454Q, H136Q.
Identifiers: ClinVar variation 3697604 (VCV003697604.3).

ClinVar aggregate classification (germline): Uncertain significance. Review status: criteria provided, multiple submitters, no conflicts (2 of 4 stars). 2 submissions from 2 submitters: Uncertain significance (2). Last evaluated 2025-06-18.

Conditions:
Inborn genetic diseases. Identifiers: MedGen C0950123, MeSH D030342.

gnomAD v4.1: 1 of 1,614,072 alleles (0.000062%); highest among the groups gnomAD compares: African/African-American, 0.0013%; no homozygotes.

Submissions (2):

Ambry Genetics
Classification: Uncertain significance for Inborn genetic diseases. Last evaluated: 2025-06-18. Review status: criteria provided, single submitter. Criteria: Ambry Variant Classification Scheme 2023. Collection method: clinical testing. Allele origin: germline.
Comment: The p.H448Q variant (also known as c.1344T>A), located in coding exon 5 of the MBD4 gene, results from a T to A substitution at nucleotide position 1344. The histidine at codon 448 is replaced by glutamine, an amino acid with highly similar properties. This amino acid position is conserved. In addition, this alteration is predicted to be deleterious by in silico analysis. Based on the available evidence, the clinical significance of this variant remains unclear.

Labcorp Genetics (formerly Invitae), Labcorp
Classification: Uncertain significance. Last evaluated: 2024-11-16. Review status: criteria provided, single submitter. Criteria: Invitae Variant Classification Sherloc (09022015). Collection method: clinical testing. Allele origin: germline.
Comment: This sequence change replaces histidine, which is basic and polar, with glutamine, which is neutral and polar, at codon 454 of the MBD4 protein (p.His454Gln). This variant is not present in population databases (gnomAD no frequency). This variant has not been reported in the literature in individuals affected with MBD4-related conditions. An algorithm developed to predict the effect of missense changes on protein structure and function (PolyPhen-2) suggests that this variant is likely to be disruptive. In summary, the available evidence is currently insufficient to determine the role of this variant in disease. Therefore, it has been classified as a Variant of Uncertain Significance.